The following is an entry in ClinVar:

ClinVar aggregate classification (germline): Likely pathogenic (1 of 4 stars; one submission).

Submission:

Athena Diagnostics
Classification: Likely pathogenic. Last evaluated: 2025-10-08. Review status: criteria provided, single submitter. Criteria: Athena Diagnostics Criteria. Collection method: clinical testing. Allele origin: unknown.
Comment: This variant is located in a genomic region of low or unreliable sequencing quality, and therefore estimations of its population frequency are uninformative in assessment of variant pathogenicity. (Genome Aggregation Database (gnomAD), Cambridge, MA (URL)) This variant is also referred to as c.1373_1390del, c.1375_1392del, or c.1378_1395del in published literature. In multiple individuals, this variant has been seen in trans with other recessive pathogenic variants in CYP21A2, suggesting this variant is also pathogenic. Assessment of experimental evidence suggests this variant results in abnormal protein function. (PMID: 30968594)

Literature cited by the submitters: PubMed 19208730; PubMed 30968594.

NM_000500.9(CYP21A2):c.1381_1398del (p.Ser461_Pro466del)

Genes: CYP21A2 (cytochrome P450 family 21 subfamily A member 2; plus strand), LOC106780800 (CYP21A2 recombination region; plus strand). Cytogenetic location: 6p21.33.
Variant type: Deletion.
Coding change: c.1381_1398del on transcript NM_000500.9 (MANE Select); coding-DNA positions 1381 to 1398, 18 bases deleted (TCCCTGCAGCCCCTGCCC).
Protein change: p.Ser461_Pro466del.
Molecular consequence: inframe deletion.
Genome position (GRCh38, 1-based): chr6:32,041,027-32,041,044, TCCCTGCAGCCCCTGCCC deleted; deleting any 18 consecutive bases within chr6:32,041,019-32,041,044 gives the same sequence; the c. name uses the placement nearest the transcript's 3' end. VCF-style (leftmost placement, unchanged base first): chr6-32041018-GCCCTGCCCTCCCTGCAGC-G. GRCh37 (hg19) VCF-style: chr6-32008795-GCCCTGCCCTCCCTGCAGC-G.
Other names: c.1291_1308del, p.Ser431_Pro436del (NM_001128590.4); c.976_993del, p.Ser326_Pro331del (NM_001368143.2, NM_001368144.2).
Identifiers: ClinVar variation 4682491 (VCV004682491.1).